The following is an entry in ClinVar:

ClinVar aggregate classification (germline): Uncertain significance. Review status: criteria provided, multiple submitters, no conflicts (2 of 4 stars). 4 submissions from 4 submitters: Uncertain significance (3). 1 of the submissions does not count toward it. Last evaluated 2024-02-24.

Conditions:
Pontocerebellar hypoplasia type 1A (PCH1A). Also called: PONTOCEREBELLAR HYPOPLASIA WITH ANTERIOR HORN CELL DISEASE; PONTOCEREBELLAR HYPOPLASIA WITH INFANTILE SPINAL MUSCULAR ATROPHY. Identifiers: Orphanet 2254, Orphanet 88616, MedGen C1843504, MONDO:0011866, OMIM 607596.
Inborn genetic diseases. Identifiers: MedGen C0950123, MeSH D030342.

Allele frequency attached by ClinVar (database versions not stated): gnomAD 0.00001; gnomAD exomes 0.00001; ExAC 0.00002; TOPMed 0.00002; ESP Exome Variant Server 0.00008.
gnomAD v4.1: 30 of 1,613,144 alleles (0.0019%); highest among the groups gnomAD compares: Admixed American, 0.005%; no homozygotes.

Submissions (4):

Labcorp Genetics (formerly Invitae), Labcorp
Classification: Uncertain significance for Pontocerebellar hypoplasia type 1A. Last evaluated: 2024-02-24. Review status: criteria provided, single submitter. Criteria: Invitae Variant Classification Sherloc (09022015). Collection method: clinical testing. Allele origin: germline.
Comment: This sequence change replaces arginine, which is basic and polar, with cysteine, which is neutral and slightly polar, at codon 387 of the VRK1 protein (p.Arg387Cys). This variant is present in population databases (rs149083861, gnomAD 0.004%). This variant has not been reported in the literature in individuals affected with VRK1-related conditions. ClinVar contains an entry for this variant (Variation ID: 971416). An algorithm developed to predict the effect of missense changes on protein structure and function (PolyPhen-2) suggests that this variant¬†is likely to be tolerated. This variant disrupts the p.Arg387 amino acid residue in VRK1. Other variant(s) that disrupt this residue have been determined to be pathogenic (Invitae). This suggests that this residue is clinically significant, and that variants that disrupt this residue are likely to be disease-causing. In summary, the available evidence is currently insufficient to determine the role of this variant in disease. Therefore, it has been classified as a Variant of Uncertain Significance.

Ambry Genetics
Classification: Uncertain significance for Inborn genetic diseases. Last evaluated: 2023-01-30. Review status: criteria provided, single submitter. Criteria: Ambry Variant Classification Scheme 2023. Collection method: clinical testing. Allele origin: germline.
Comment: Occurs in the last base pair of the exon Based on insufficient or conflicting evidence, the clinical significance of this alteration remains unclear.

GeneDx
Classification: Uncertain significance. Last evaluated: 2019-06-20. Review status: criteria provided, single submitter. Criteria: GeneDx Variant Classification Process June 2021. Collection method: clinical testing. Allele origin: germline. Affected: yes.
Comment: Not observed at a significant frequency in large population cohorts (Lek et al., 2016); The majority of missense variants in this gene are considered pathogenic (Stenson et al., 2014); In silico analysis, which includes protein predictors and evolutionary conservation, supports that this variant does not alter protein structure/function; Has not been previously published as pathogenic or benign to our knowledge

Natera, Inc.
Classification: Uncertain significance for Pontocerebellar hypoplasia, type 1a. Last evaluated: 2020-08-11. Review status: no assertion criteria provided. Collection method: clinical testing. Allele origin: germline. Not counted in ClinVar's aggregate classification.

NM_003384.3(VRK1):c.1159C>T (p.Arg387Cys)

Gene: VRK1 (VRK serine/threonine kinase 1; plus strand). Cytogenetic location: 14q32.2.
Variant type: single nucleotide variant.
Coding change: c.1159C>T on transcript NM_003384.3 (MANE Select); coding-DNA position 1159, C replaced by T.
Protein change: p.Arg387Cys; replaces arginine 387 with cysteine.
Molecular consequence: missense variant.
Genome position (GRCh38, 1-based): chr14:96,876,120, C>T. VCF-style: chr14-96876120-C-T. GRCh37 (hg19) VCF-style: chr14-97342457-C-T.
Other names: short protein forms R387C.
Identifiers: ClinVar variation 971416 (VCV000971416.11), dbSNP rs149083861, ClinGen allele CA7339198.
Genomic context (GRCh38, chr14:96,876,120, plus strand): 5'-GAACCTGGTGTTGAAGATACGGAATGGTCAAACACACAGACAGAGGAGGCCATACAGACC[C>T]GTAAGTTGAACAGTTTTGCCTAGCTGCTTTCATAGGTAAACACAAATTTCATTTCCTCCC-3'
Protein context (NP_003375.1, residues 377-396): NTQTEEAIQT[Arg387Cys]SRTRKRVQK